The following is an entry in ClinVar:

NM_003072.5(SMARCA4):c.170C>G (p.Pro57Arg)

Gene: SMARCA4 (SWI/SNF related BAF chromatin remodeling complex subunit ATPase 4; plus strand). Cytogenetic location: 19p13.2.
Variant type: single nucleotide variant.
Coding change: c.170C>G on transcript NM_003072.5 (MANE Select); coding-DNA position 170, C replaced by G.
Protein change: p.Pro57Arg; replaces proline 57 with arginine.
Molecular consequence: missense variant. On other transcripts: non-coding transcript variant (1).
Genome position (GRCh38, 1-based): chr19:10,984,321, C>G. VCF-style: chr19-10984321-C-G. GRCh37 (hg19) VCF-style: chr19-11094997-C-G.
Other names: c.170C>G, p.Pro57Arg (NM_001128844.3, NM_001128845.2, NM_001128846.2 and 5 more transcripts); short protein forms P57R.
Identifiers: ClinVar variation 1044156 (VCV001044156.6), dbSNP rs1568417458, ClinGen allele CA404054543.

ClinVar aggregate classification (germline): Uncertain significance (1 of 4 stars; one submission).

Conditions:
Rhabdoid tumor predisposition syndrome 2 (RTPS2). Identifiers: Orphanet 231108, Orphanet 69077, MedGen C2750074, MONDO:0013224, OMIM 613325.

Allele frequency attached by ClinVar (database versions not stated): gnomAD exomes below 0.00001.
gnomAD v4.1: 1 of 1,605,196 alleles (0.000062%); highest among the groups gnomAD compares: Non-Finnish European, 0.000085%; no homozygotes.

Submission:

Labcorp Genetics (formerly Invitae), Labcorp
Classification: Uncertain significance for Rhabdoid tumor predisposition syndrome 2. Last evaluated: 2022-06-27. Review status: criteria provided, single submitter. Criteria: Invitae Variant Classification Sherloc (09022015). Collection method: clinical testing. Allele origin: germline.
Comment: This sequence change replaces proline, which is neutral and non-polar, with arginine, which is basic and polar, at codon 57 of the SMARCA4 protein (p.Pro57Arg). This variant is not present in population databases (gnomAD no frequency). This variant has not been reported in the literature in individuals affected with SMARCA4-related conditions. ClinVar contains an entry for this variant (Variation ID: 1044156). Algorithms developed to predict the effect of missense changes on protein structure and function are either unavailable or do not agree on the potential impact of this missense change (SIFT: "Deleterious"; PolyPhen-2: "Benign"; Align-GVGD: "Class C65"). In summary, the available evidence is currently insufficient to determine the role of this variant in disease. Therefore, it has been classified as a Variant of Uncertain Significance.